The following is an entry in ClinVar:

ClinVar aggregate classification (germline): Pathogenic/Likely pathogenic. Review status: criteria provided, multiple submitters, no conflicts (2 of 4 stars). 2 submissions from 2 submitters: Pathogenic (1); Likely pathogenic (1). Last evaluated 2024-01-02.

Conditions:
COL10A1-related disorders.

Submissions (2):

Labcorp Genetics (formerly Invitae), Labcorp
Classification: Pathogenic. Last evaluated: 2024-01-02. Review status: criteria provided, single submitter. Criteria: Invitae Variant Classification Sherloc (09022015). Collection method: clinical testing. Allele origin: germline.
Comment: This sequence change creates a premature translational stop signal (p.Thr608Ilefs*5) in the COL10A1 gene. While this is not anticipated to result in nonsense mediated decay, it is expected to disrupt the last 73 amino acid(s) of the COL10A1 protein. This variant is not present in population databases (gnomAD no frequency). This premature translational stop signal has been observed in individual(s) with clinical features of autosomal dominant metaphyseal chrondrodysplasia, Schmid type (Invitae; external communication). It has also been observed to segregate with disease in related individuals. ClinVar contains an entry for this variant (Variation ID: 1224484). This variant is located in a region of the COL10A1 protein where a significant number of COL10A1 nonsense and frameshift mutations have been reported in association with autosomal dominant metaphyseal chondrodysplasia (PMID: 21447328, 33764685, 36400164). For these reasons, this variant has been classified as Pathogenic.

Blueprint Genetics
Classification: Likely pathogenic for COL10A1-related disorders. Last evaluated: 2019-03-21. Review status: criteria provided, single submitter. Criteria: ACMG Guidelines, 2015. Collection method: clinical testing. Allele origin: germline. Affected: yes. Observed: 1 variant allele.

Literature cited by the submitters: PubMed 21447328 (cited by Labcorp Genetics (formerly Invitae), Labcorp); PubMed 33764685 (cited by Labcorp Genetics (formerly Invitae), Labcorp); PubMed 36400164 (cited by Labcorp Genetics (formerly Invitae), Labcorp).

NM_000493.4(COL10A1):c.1823del (p.Thr608fs)

Genes: COL10A1 (collagen type X alpha 1 chain; minus strand), NT5DC1 (5'-nucleotidase domain containing 1; plus strand). Cytogenetic location: 6q22.1.
Variant type: Deletion.
Coding change: c.1823del on transcript NM_000493.4 (MANE Select); coding-DNA position 1823, one base deleted (C; older notation c.1823delC).
Protein change: p.Thr608fs; shifts the reading frame from threonine 608.
Molecular consequence: frameshift variant. On other transcripts: intron variant (1).
Genome position (GRCh38, 1-based): chr6:116,120,293, G deleted on the plus strand (C on the coding strand, the reverse complement: COL10A1 is on the minus strand). VCF-style (leftmost placement, unchanged base first): chr6-116120292-AG-A. GRCh37 (hg19) VCF-style: chr6-116441455-AG-A.
Other names: c.1823del, p.Thr608fs (NM_001424106.1, NM_001424107.1); c.529+2348del (NM_152729.3); short protein forms T608fs.
Identifiers: ClinVar variation 1224484 (VCV001224484.8), dbSNP rs2114278254, ClinGen allele CA2499218043.